The following is an entry in ClinVar:

NM_004281.4(BAG3):c.470C>T (p.Ala157Val)

Gene: BAG3 (BAG cochaperone 3; plus strand). Cytogenetic location: 10q26.11.
Variant type: single nucleotide variant.
Coding change: c.470C>T on transcript NM_004281.4 (MANE Select); coding-DNA position 470, C replaced by T.
Protein change: p.Ala157Val; replaces alanine 157 with valine.
Molecular consequence: missense variant.
Genome position (GRCh38, 1-based): chr10:119,670,140, C>T. VCF-style: chr10-119670140-C-T. GRCh37 (hg19) VCF-style: chr10-121429652-C-T.
Other names: short protein forms A157V.
Identifiers: ClinVar variation 971845 (VCV000971845.12), dbSNP rs541080567, ClinGen allele CA5716327.

ClinVar aggregate classification (germline): Conflicting classifications of pathogenicity. Review status: criteria provided, conflicting classifications (1 of 4 stars). 5 submissions from 5 submitters: Uncertain significance (2); Likely benign (3). Last evaluated 2026-01-08.

Conditions:
Dilated cardiomyopathy 1HH (CMD1HH). Identifiers: Orphanet 154, MedGen C3151293, MONDO:0013479, OMIM 613881.
Myofibrillar myopathy 6. Identifiers: Orphanet 199340, MedGen C2751831, MONDO:0013061, OMIM 612954.
BAG3-related disorder. Also called: BAG3-related condition.
Cardiovascular phenotype. Identifiers: MedGen CN230736.

Allele frequency attached by ClinVar (database versions not stated): gnomAD exomes 0.00001 and 0.00002; ExAC 0.00004; TOPMed 0.00006; gnomAD 0.00007; 1000 Genomes Project 30x 0.00016; 1000 Genomes Project 0.00020.
gnomAD v4.1: 31 of 1,612,070 alleles (0.0019%); highest among the groups gnomAD compares: African/African-American, 0.019%; no homozygotes.

Submissions (5):

Labcorp Genetics (formerly Invitae), Labcorp
Classification: Likely benign for Dilated cardiomyopathy 1HH; Myofibrillar myopathy 6. Last evaluated: 2026-01-08. Review status: criteria provided, single submitter. Criteria: Invitae Variant Classification Sherloc (09022015). Collection method: clinical testing. Allele origin: germline.

Women's Health and Genetics/Laboratory Corporation of America, LabCorp
Classification: Likely benign. Last evaluated: 2025-07-14. Review status: criteria provided, single submitter. Criteria: LabCorp Variant Classification Summary - May 2015. Collection method: clinical testing. Allele origin: germline.
Comment: Variant summary: BAG3 c.470C>T (p.Ala157Val) results in a non-conservative amino acid change in the encoded protein sequence. Algorithms developed to predict the effect of missense changes on protein structure and function are either unavailable or do not agree on the potential impact of this missense change. The variant allele was found at a frequency of 1.9e-05 in 1612070 control chromosomes, predominantly at a frequency of 0.00019 within the African or African-American subpopulation in the gnomAD database. The observed variant frequency within African or African-American control individuals in the gnomAD database is approximately 5 fold of the estimated maximal expected allele frequency for a pathogenic variant in BAG3 causing Dilated Cardiomyopathy phenotype (3.9e-05). To our knowledge, no occurrence of c.470C>T in individuals affected with Dilated Cardiomyopathy and no experimental evidence demonstrating its impact on protein function have been reported. ClinVar contains an entry for this variant (Variation ID: 971845). Based on the evidence outlined above, the variant was classified as likely benign.

GeneDx
Classification: Uncertain significance. Last evaluated: 2024-09-10. Review status: criteria provided, single submitter. Criteria: GeneDx Variant Classification Process June 2021. Collection method: clinical testing. Allele origin: germline. Affected: yes.
Comment: Has not been previously published as pathogenic or benign to our knowledge; In silico analysis indicates that this missense variant does not alter protein structure/function

PreventionGenetics, part of Exact Sciences
Classification: Uncertain significance for BAG3-related condition. Last evaluated: 2022-11-03. Review status: criteria provided, single submitter. Criteria: ACMG Guidelines, 2015. Collection method: clinical testing. Allele origin: germline.
Comment: The BAG3 c.470C>T variant is predicted to result in the amino acid substitution p.Ala157Val. To our knowledge, this variant has not been reported in the literature. This variant is reported in 0.017% of alleles in individuals of African descent in gnomAD. At this time, the clinical significance of this variant is uncertain due to the absence of conclusive functional and genetic evidence.

Ambry Genetics
Classification: Likely benign for Cardiovascular phenotype. Last evaluated: 2021-06-22. Review status: criteria provided, single submitter. Criteria: Ambry Variant Classification Scheme 2023. Collection method: clinical testing. Allele origin: germline.